The following is an entry in ClinVar:

NM_006031.6(PCNT):c.428G>A (p.Arg143His)

Gene: PCNT (pericentrin; plus strand). Cytogenetic location: 21q22.3.
Variant type: single nucleotide variant.
Coding change: c.428G>A on transcript NM_006031.6 (MANE Select); coding-DNA position 428, G replaced by A.
Protein change: p.Arg143His; replaces arginine 143 with histidine.
Molecular consequence: missense variant.
Genome position (GRCh38, 1-based): chr21:46,334,557, G>A. VCF-style: chr21-46334557-G-A. GRCh37 (hg19) VCF-style: chr21-47754471-G-A.
Other names: c.74G>A, p.Arg25His (NM_001315529.2); short protein forms R143H, R25H.
Identifiers: ClinVar variation 159600 (VCV000159600.16), dbSNP rs58106867, ClinGen allele CA173004.

ClinVar aggregate classification (germline): Conflicting classifications of pathogenicity. Review status: criteria provided, conflicting classifications (1 of 4 stars). 6 submissions from 6 submitters: Uncertain significance (3); Likely benign (1). 2 of the submissions do not count toward it. Last evaluated 2025-09-05.

Conditions:
Microcephalic osteodysplastic primordial dwarfism type II (MOPD2). Also called: Microcephalic osteodysplastic primordial dwarfism with tooth abnormalities; MOPD II; OSTEODYSPLASTIC PRIMORDIAL DWARFISM, TYPE II. Identifiers: Orphanet 2637, MedGen C0432246, MONDO:0008872, OMIM 210720.
PCNT-related disorder. Also called: PCNT-related condition.

Submissions (6):

Women's Health and Genetics/Laboratory Corporation of America, LabCorp
Classification: Uncertain significance. Last evaluated: 2025-09-05. Review status: criteria provided, single submitter. Criteria: LabCorp Variant Classification Summary - May 2015. Collection method: clinical testing. Allele origin: germline.
Comment: Variant summary: PCNT c.428G>A (p.Arg143His) results in a non-conservative amino acid change in the encoded protein sequence. Algorithms developed to predict the effect of missense changes on protein structure and function are either unavailable or do not agree on the potential impact of this missense change. The variant was absent in 251442 control chromosomes. The available data on variant occurrences in the general population are insufficient to allow any conclusion about variant significance. These report(s) do not provide unequivocal conclusions about association of the variant with autosomal recessive Microcephalic Osteodysplastic Primordial Dwarfism Type II. To our knowledge, no experimental evidence demonstrating an impact on protein function has been reported. The following publications have been ascertained in the context of this evaluation (PMID: 25363768, 31785789). ClinVar contains an entry for this variant (Variation ID: 159600). Based on the evidence outlined above, the variant was classified as uncertain significance.

Labcorp Genetics (formerly Invitae), Labcorp
Classification: Uncertain significance. Last evaluated: 2022-06-25. Review status: criteria provided, single submitter. Criteria: Invitae Variant Classification Sherloc (09022015). Collection method: clinical testing. Allele origin: germline.
Comment: This sequence change replaces arginine, which is basic and polar, with histidine, which is basic and polar, at codon 143 of the PCNT protein (p.Arg143His). The frequency data for this variant in the population databases is considered unreliable, as metrics indicate poor data quality at this position in the gnomAD database. This missense change has been observed in individual(s) with autism spectrum disorder (PMID: 25363768). ClinVar contains an entry for this variant (Variation ID: 159600). Algorithms developed to predict the effect of missense changes on protein structure and function output the following: SIFT: "Tolerated"; PolyPhen-2: "Benign"; Align-GVGD: "Class C0". The histidine amino acid residue is found in multiple mammalian species, which suggests that this missense change does not adversely affect protein function. In summary, the available evidence is currently insufficient to determine the role of this variant in disease. Therefore, it has been classified as a Variant of Uncertain Significance.

GeneDx
Classification: Likely benign. Last evaluated: 2020-12-22. Review status: criteria provided, single submitter. Criteria: GeneDx Variant Classification Process June 2021. Collection method: clinical testing. Allele origin: germline. Affected: yes.
Comment: This variant is associated with the following publications: (PMID: 25363768)

Illumina Laboratory Services, Illumina
Classification: Uncertain significance for Microcephalic osteodysplastic primordial dwarfism type II. Last evaluated: 2018-01-13. Review status: criteria provided, single submitter. Criteria: ICSL Variant Classification Criteria 13 December 2019. Collection method: clinical testing. Allele origin: germline.

PreventionGenetics, part of Exact Sciences
Classification: Uncertain significance for PCNT-related condition. Last evaluated: 2024-06-05. Review status: no assertion criteria provided. Collection method: clinical testing. Allele origin: germline. Not counted in ClinVar's aggregate classification.
Comment: The PCNT c.428G>A variant is predicted to result in the amino acid substitution p.Arg143His. This variant has been reported to have occurred de novo in an individual with autism spectrum disorder (Table S2, Iossifov et al. 2014. PubMed ID: 25363768; Table S2, Turner et al. 2019. PubMed ID: 31785789). This variant is reported in 0.37% of alleles in individuals of Ashkenazi Jewish descent in gnomAD. At this time, the clinical significance of this variant is uncertain due to the absence of conclusive functional and genetic evidence.

Genetic Services Laboratory, University of Chicago
Classification: Likely benign. Review status: no assertion criteria provided. Collection method: clinical testing. Allele origin: germline. Inheritance: Autosomal recessive inheritance. Not counted in ClinVar's aggregate classification.
Comment: Likely benign based on allele frequency in 1000 Genomes Project or ESP global frequency and its presence in a patient with a rare or unrelated disease phenotype. NOT Sanger confirmed

Literature cited by the submitters: PubMed 25363768 (cited by Women's Health and Genetics/Laboratory Corporation of America, LabCorp and Labcorp Genetics (formerly Invitae), Labcorp); PubMed 31785789 (cited by Women's Health and Genetics/Laboratory Corporation of America, LabCorp).